The following is an entry in ClinVar:

ClinVar aggregate classification (germline): Pathogenic (1 of 4 stars; one submission).

Submission:

Labcorp Genetics (formerly Invitae), Labcorp
Classification: Pathogenic. Last evaluated: 2023-10-23. Review status: criteria provided, single submitter. Criteria: Invitae Variant Classification Sherloc (09022015). Collection method: clinical testing. Allele origin: unknown.
Comment: This variant results in the deletion of exons 2-5 and part of exon 1 (c.4_643-118del) of the GLE1 gene. It is expected to disrupt RNA splicing. Variants that disrupt the donor or acceptor splice site typically lead to a loss of protein function (PMID: 16199547), and loss-of-function variants in GLE1 are known to be pathogenic (PMID: 18204449, 24243016, 27684565). This variant has not been reported in the literature in individuals affected with GLE1-related conditions. This variant disrupts a region of the GLE1 protein in which other variant(s) (Deletion (Exon 2)) have been determined to be pathogenic (PMID: 27684565). This suggests that this is a clinically significant region of the protein, and that variants that disrupt it are likely to be disease-causing. For these reasons, this variant has been classified as Pathogenic.

Literature cited by the submitters: PubMed 16199547; PubMed 18204449; PubMed 24243016; PubMed 27684565.

NC_000009.11:g.(?_131267088)_(131285753_?)del

Gene: GLE1 (GLE1 RNA export mediator; plus strand). Cytogenetic location: 9q34.11.
Variant type: Deletion.
Identifiers: ClinVar variation 3245300 (VCV003245300.1).